The following is an entry in ClinVar:

NM_014297.5(ETHE1):c.6G>A (p.Ala2=)

Genes: ETHE1 (ETHE1 persulfide dioxygenase; minus strand), LOC130064595 (ATAC-STARR-seq lymphoblastoid silent region 10721; plus strand). Cytogenetic location: 19q13.31.
Variant type: single nucleotide variant.
Coding change: c.6G>A on transcript NM_014297.5 (MANE Select); coding-DNA position 6, G replaced by A.
Protein change: p.Ala2=; no amino-acid change (alanine 2 retained).
Molecular consequence: synonymous variant. On other transcripts: 5 prime UTR variant (1).
Genome position (GRCh38, 1-based): chr19:43,527,172, C>T on the plus strand (G>A on the coding strand, the complement: ETHE1 is on the minus strand). VCF-style: chr19-43527172-C-T. GRCh37 (hg19) VCF-style: chr19-44031324-C-T.
Other names: c.6G>A, p.Ala2= (NM_001320867.2, NM_001320869.2); c.-215G>A (NM_001320868.2).
Identifiers: ClinVar variation 260385 (VCV000260385.26), dbSNP rs3810381, ClinGen allele CA9487981.

ClinVar aggregate classification (germline): Benign. Review status: reviewed by expert panel (3 of 4 stars). 11 submissions from 11 submitters: Benign (1). 10 of the submissions do not count toward it. Last evaluated 2021-05-07.

Conditions:
Ethylmalonic encephalopathy (EE). Also called: Syndrome of encephalopathy, petechiae, and ethylmalonic aciduria; EPEMA syndrome; Encephalopathy, petechiae, and ethylmalonic aciduria. Identifiers: Orphanet 51188, MedGen C1865349, MONDO:0011229, OMIM 602473. Disease mechanism: loss of function.

Allele frequency attached by ClinVar (database versions not stated): gnomAD exomes 0.15717 and 0.18804; TOPMed 0.16273; gnomAD 0.17461 and 0.17604; 1000 Genomes Project 30x 0.14710; ESP Exome Variant Server 0.14891; 1000 Genomes Project 0.15236; ExAC 0.19066.
gnomAD v4.1: 286,297 of 1,538,668 alleles (19%); highest among the groups gnomAD compares: Non-Finnish European, 20%; 27,647 homozygotes.

Submissions (11):

ClinGen Mitochondrial Disease Nuclear and Mitochondrial  Variant Curation Expert Panel, ClinGen
Classification: Benign for Ethylmalonic encephalopathy. Last evaluated: 2021-05-07. Review status: reviewed by expert panel. Criteria: ClinGen Mito Disease ACMG Specifications v1. Collection method: curation. Allele origin: germline. Inheritance: Autosomal recessive inheritance.
Comment: The allele frequency of the c.6G>A variant in the ETHE1 gene is reported as >16% in gnomAD, including >2,000 homozygotes, which is high enough to be classified as benign based on thresholds defined by the ClinGen ETHE1 Variant Curation Expert Panel (>0.1% in gnomAD- BA1 and BS2). In silico splicing predictors (Splice AI) do not predict a deleterious effect (BP7). In summary, this variant meets criteria to be classified as benign for ETHE1-related ethylmalonic encephalopathy. ETHE1-specific ACMG/AMP criteria applied: (BA1, BS2, BP7).

Labcorp Genetics (formerly Invitae), Labcorp
Classification: Benign for Ethylmalonic encephalopathy. Last evaluated: 2026-02-04. Review status: criteria provided, single submitter. Criteria: Invitae Variant Classification Sherloc (09022015). Collection method: clinical testing. Allele origin: germline. Not counted in ClinVar's aggregate classification.

Blueprint Genetics
Classification: Likely benign. Last evaluated: 2024-11-28. Review status: criteria provided, single submitter. Criteria: ACMG Guidelines, 2015. Collection method: clinical testing. Allele origin: germline. Not counted in ClinVar's aggregate classification.

Genome-Nilou Lab
Classification: Benign for Ethylmalonic encephalopathy. Last evaluated: 2021-07-10. Review status: criteria provided, single submitter. Criteria: ACMG Guidelines, 2015. Collection method: clinical testing. Allele origin: germline. Affected: no. Not counted in ClinVar's aggregate classification.

Women's Health and Genetics/Laboratory Corporation of America, LabCorp
Classification: Benign. Last evaluated: 2018-02-05. Review status: criteria provided, single submitter. Criteria: LabCorp Variant Classification Summary - May 2015. Collection method: clinical testing. Allele origin: germline. Not counted in ClinVar's aggregate classification.
Comment: Variant summary: ETHE1 c.6G>A alters a non-conserved nucleotide resulting in a synonymous change. Four computational tools predict the variant has no significant impact on splicing while one predicts the variant strengthens a cryptic 3 acceptor site. However, these predictions have yet to be confirmed by functional studies. The variant allele was found at a frequency of 0.16 in 159212 control chromosomes in the gnomAD database, including 2280 homozygotes. The observed variant frequency is approximately 122-folds higher than the estimated maximal expected allele frequency for a pathogenic variant in ETHE1 causing Ethylmalonic Encephalopathy phenotype (0.0013), strongly suggesting that the variant is benign. To our knowledge, no occurrence of c.6G>A in individuals affected with Ethylmalonic Encephalopathy and no experimental evidence demonstrating its impact on protein function have been reported. A clinical diagnostic laboratory has a ClinVar submission after 2014 with a classification of "benign," along with another clinical diagnostic laboratory with no submission date as "benign." Based on the evidence outlined above, the variant was classified as benign.

Illumina Laboratory Services, Illumina
Classification: Benign for Ethylmalonic encephalopathy. Last evaluated: 2018-01-13. Review status: criteria provided, single submitter. Criteria: ICSL Variant Classification Criteria 13 December 2019. Collection method: clinical testing. Allele origin: germline. Not counted in ClinVar's aggregate classification.
Comment: This variant was observed in the ICSL laboratory as part of a predisposition screen in an ostensibly healthy population. It had not been previously curated by ICSL or reported in the Human Gene Mutation Database (HGMD: prior to June 1st, 2018), and was therefore a candidate for classification through an automated scoring system. Utilizing variant allele frequency, disease prevalence and penetrance estimates, and inheritance mode, an automated score was calculated to assess if this variant is too frequent to cause the disease. Based on the score and internal cut-off values, a variant classified as benign is not then subjected to further curation. The score for this variant resulted in a classification of benign for this disease.

GeneDx
Classification: Benign. Last evaluated: 2015-03-03. Review status: criteria provided, single submitter. Criteria: GeneDx Variant Classification Process June 2021. Collection method: clinical testing. Allele origin: germline. Affected: yes. Not counted in ClinVar's aggregate classification.

Breakthrough Genomics
Classification: Benign. Review status: criteria provided, single submitter. Criteria: ACMG Guidelines, 2015. Collection method: not provided. Allele origin: germline. Inheritance: Autosomal recessive inheritance. Affected: yes. Not counted in ClinVar's aggregate classification.

PreventionGenetics, part of Exact Sciences
Classification: Benign. Review status: criteria provided, single submitter. Criteria: ACMG Guidelines, 2015. Collection method: clinical testing. Allele origin: germline. Not counted in ClinVar's aggregate classification.

Natera, Inc.
Classification: Benign for Ethylmalonic encephalopathy. Last evaluated: 2020-09-16. Review status: no assertion criteria provided. Collection method: clinical testing. Allele origin: germline. Not counted in ClinVar's aggregate classification.

Mayo Clinic Laboratories, Mayo Clinic
Classification: Benign. Last evaluated: 2016-02-15. Review status: no assertion criteria provided. Collection method: clinical testing. Allele origin: unknown. Not counted in ClinVar's aggregate classification.